The following is an entry in ClinVar:

ClinVar aggregate classification (germline): Uncertain significance (1 of 4 stars; one submission).

Allele frequency attached by ClinVar (database versions not stated): gnomAD 0.00001; gnomAD exomes 0.00001 and 0.00002; TOPMed 0.00001; ExAC 0.00003; 1000 Genomes Project 30x 0.00031; 1000 Genomes Project 0.00040.
gnomAD v4.1: 12 of 1,606,048 alleles (0.00075%); highest among the groups gnomAD compares: Middle Eastern, 0.017%; no homozygotes.

Submission:

Labcorp Genetics (formerly Invitae), Labcorp
Classification: Uncertain significance. Last evaluated: 2024-02-17. Review status: criteria provided, single submitter. Criteria: Invitae Variant Classification Sherloc (09022015). Collection method: clinical testing. Allele origin: germline.
Comment: This sequence change replaces serine, which is neutral and polar, with proline, which is neutral and non-polar, at codon 63 of the OAS1 protein (p.Ser63Pro). This variant is present in population databases (rs539664728, gnomAD 0.02%). This variant has not been reported in the literature in individuals affected with OAS1-related conditions. ClinVar contains an entry for this variant (Variation ID: 1430523). An algorithm developed to predict the effect of missense changes on protein structure and function (PolyPhen-2) suggests that this variant is likely to be disruptive. In summary, the available evidence is currently insufficient to determine the role of this variant in disease. Therefore, it has been classified as a Variant of Uncertain Significance.

NM_016816.4(OAS1):c.187T>C (p.Ser63Pro)

Gene: OAS1 (2'-5'-oligoadenylate synthetase 1; plus strand). Cytogenetic location: 12q24.13.
Variant type: single nucleotide variant.
Coding change: c.187T>C on transcript NM_016816.4 (MANE Select); coding-DNA position 187, T replaced by C.
Protein change: p.Ser63Pro; replaces serine 63 with proline.
Molecular consequence: missense variant.
Genome position (GRCh38, 1-based): chr12:112,908,542, T>C. VCF-style: chr12-112908542-T-C. GRCh37 (hg19) VCF-style: chr12-113346347-T-C.
Other names: c.187T>C, p.Ser63Pro (NM_001032409.3, NM_001320151.2, NM_002534.4); short protein forms S63P.
Identifiers: ClinVar variation 1430523 (VCV001430523.8), dbSNP rs539664728, ClinGen allele CA6799712.